The following is an entry in ClinVar:

NM_033380.3(COL4A5):c.4283G>T (p.Arg1428Leu)

Gene: COL4A5 (collagen type IV alpha 5 chain; plus strand). Cytogenetic location: Xq22.3.
Variant type: single nucleotide variant.
Coding change: c.4283G>T on transcript NM_033380.3 (MANE Select); coding-DNA position 4283, G replaced by T.
Protein change: p.Arg1428Leu; replaces arginine 1428 with leucine.
Molecular consequence: missense variant.
Genome position (GRCh38, 1-based): chrX:108,686,097, G>T. VCF-style: chrX-108686097-G-T. GRCh37 (hg19) VCF-style: chrX-107929327-G-T.
Other names: c.4265G>T, p.Arg1422Leu (NM_000495.5); short protein forms R1422L, R1428L.
Identifiers: ClinVar variation 3597982 (VCV003597982.2).

ClinVar aggregate classification (germline): Uncertain significance. Review status: criteria provided, multiple submitters, no conflicts (2 of 4 stars). 2 submissions from 2 submitters: Uncertain significance (2). Last evaluated 2025-08-19.

Conditions:
X-linked Alport syndrome (ATS1). Also called: COL4A5-Related Nephropathy; NEPHROPATHY AND DEAFNESS, X-LINKED. Identifiers: Orphanet 63, Orphanet 88917, MedGen C4746986, MONDO:0010520, OMIM 301050.

gnomAD v4.1: 3 of 1,210,457 alleles (0.00025%); highest among the groups gnomAD compares: East Asian, 0.003%; no homozygotes.

Submissions (2):

3billion
Classification: Uncertain significance for X-linked Alport syndrome. Last evaluated: 2025-08-19. Review status: criteria provided, single submitter. Criteria: ACMG Guidelines, 2015. Collection method: clinical testing. Allele origin: germline. Affected: yes.
Comment: The variant is observed at an extremely low frequency in the gnomAD v4.1.0 dataset (total allele frequency: <0.001%). Predicted Consequence/Location: The variant is located in a mutational hot spot and/or well-established functional domain in which established pathogenic variants have been reported (N/A). Damaging effect on gene or gene product predicted by in silico programs is uncertain [REVEL: 0.51 (damaging >=0.6, benign <0.4)]. Different missense changes at the same codon (p.Arg1428Cys, p.Arg1428His) have been reported to be associated with COL4A5-related disorder (PMID: 36177613, 7706490). However the evidence of pathogenicity is insufficient at this time. Therefore, this variant is classified as VUS according to the recommendation of ACMG/AMP guideline.

Fulgent Genetics
Classification: Uncertain significance for X-linked Alport syndrome. Last evaluated: 2024-01-30. Review status: criteria provided, single submitter. Criteria: ACMG Guidelines, 2015. Collection method: clinical testing. Allele origin: germline.

Literature cited by the submitters: PubMed 36177613 (cited by 3billion).